The following is an entry in ClinVar:

NM_000179.3(MSH6):c.1965A>T (p.Leu655Phe)

Gene: MSH6 (mutS homolog 6; plus strand). Cytogenetic location: 2p16.3.
Variant type: single nucleotide variant.
Coding change: c.1965A>T on transcript NM_000179.3 (MANE Select); coding-DNA position 1965, A replaced by T.
Protein change: p.Leu655Phe; replaces leucine 655 with phenylalanine.
Molecular consequence: missense variant. On other transcripts: non-coding transcript variant (5), intron variant (2).
Genome position (GRCh38, 1-based): chr2:47,799,948, A>T. VCF-style: chr2-47799948-A-T. GRCh37 (hg19) VCF-style: chr2-48027087-A-T.
Other names: c.1575A>T, p.Leu525Phe (NM_001281492.2); c.1059A>T, p.Leu353Phe (NM_001281493.2, NM_001281494.2, NM_001406811.1 and 6 more transcripts); c.2061A>T, p.Leu687Phe (NM_001406795.1, NM_001406802.1); c.1965A>T, p.Leu655Phe (NM_001406796.1, NM_001406798.1, NM_001406800.1 and 3 more transcripts); c.1668A>T, p.Leu556Phe (NM_001406797.1, NM_001406801.1, NM_001406805.1 and 10 more transcripts); c.1440A>T, p.Leu480Phe (NM_001406799.1, NM_001406806.1, NM_001406807.1); c.1887A>T, p.Leu629Phe (NM_001406804.1); c.1971A>T, p.Leu657Phe (NM_001406813.1); and 3 more; short protein forms L556F, L655F, L629F, L353F, L480F, L599F, L687F, L525F.
Identifiers: ClinVar variation 2587354 (VCV002587354.4), dbSNP rs2530641744, ClinGen allele CA346750591.

ClinVar aggregate classification (germline): Uncertain significance. Review status: criteria provided, multiple submitters, no conflicts (2 of 4 stars). 2 submissions from 2 submitters: Uncertain significance (2). Last evaluated 2024-09-19.

Conditions:
Hereditary nonpolyposis colorectal neoplasms. Identifiers: MedGen C0009405, MeSH D003123.
Hereditary cancer-predisposing syndrome. Also called: Tumor predisposition; Hereditary Cancer Syndrome; Hereditary neoplastic syndrome; Neoplastic Syndromes, Hereditary. Identifiers: Orphanet 140162, MedGen C0027672, MeSH D009386, MONDO:0015356.

Allele frequency attached by ClinVar (database versions not stated): gnomAD exomes below 0.00001.

Submissions (2):

Labcorp Genetics (formerly Invitae), Labcorp
Classification: Uncertain significance for Hereditary nonpolyposis colorectal neoplasms. Last evaluated: 2024-09-19. Review status: criteria provided, single submitter. Criteria: Invitae Variant Classification Sherloc (09022015). Collection method: clinical testing. Allele origin: germline.
Comment: This sequence change replaces leucine, which is neutral and non-polar, with phenylalanine, which is neutral and non-polar, at codon 655 of the MSH6 protein (p.Leu655Phe). This variant is not present in population databases (gnomAD no frequency). This missense change has been observed in individual(s) with breast cancer (PMID: 34326862). ClinVar contains an entry for this variant (Variation ID: 2587354). Invitae Evidence Modeling of protein sequence and biophysical properties (such as structural, functional, and spatial information, amino acid conservation, physicochemical variation, residue mobility, and thermodynamic stability) indicates that this missense variant is not expected to disrupt MSH6 protein function with a negative predictive value of 95%. In summary, the available evidence is currently insufficient to determine the role of this variant in disease. Therefore, it has been classified as a Variant of Uncertain Significance.

Ambry Genetics
Classification: Uncertain significance for Hereditary cancer-predisposing syndrome. Last evaluated: 2023-08-24. Review status: criteria provided, single submitter. Criteria: Ambry Variant Classification Scheme 2023. Collection method: clinical testing. Allele origin: germline.
Comment: The p.L655F variant (also known as c.1965A>T), located in coding exon 4 of the MSH6 gene, results from an A to T substitution at nucleotide position 1965. The leucine at codon 655 is replaced by phenylalanine, an amino acid with highly similar properties. This amino acid position is conserved. In addition, this alteration is predicted to be tolerated by in silico analysis. Since supporting evidence is limited at this time, the clinical significance of this alteration remains unclear.

Literature cited by the submitters: PubMed 34326862 (cited by Labcorp Genetics (formerly Invitae), Labcorp).